The following is an entry in ClinVar:

ClinVar aggregate classification (germline): Likely pathogenic (1 of 4 stars; one submission).

Conditions:
Dilated cardiomyopathy 1G (CMD1G). Identifiers: Orphanet 154, MedGen C1858763, MONDO:0011400, OMIM 604145.
Autosomal recessive limb-girdle muscular dystrophy type 2J (LGMDR10). Also called: Limb-girdle muscular dystrophy, type 2J; MUSCULAR DYSTROPHY, LIMB-GIRDLE, AUTOSOMAL RECESSIVE 10. Identifiers: Orphanet 140922, MedGen C1837342, MONDO:0012127, OMIM 608807.

Submission:

Labcorp Genetics (formerly Invitae), Labcorp
Classification: Likely pathogenic for Dilated cardiomyopathy 1G; Autosomal recessive limb-girdle muscular dystrophy type 2J. Last evaluated: 2021-09-14. Review status: criteria provided, single submitter. Criteria: Invitae Variant Classification Sherloc (09022015). Collection method: clinical testing. Allele origin: germline.
Comment: This variant is not present in population databases (ExAC no frequency). This variant has not been reported in the literature in individuals affected with TTN-related conditions. This variant is located in the A band of TTN (PMID: 25589632). Truncating variants in this region are significantly overrepresented in patients affected with dilated cardiomyopathy (PMID: 25589632). Truncating variants in this region have also been reported in individuals affected with autosomal recessive centronuclear myopathy (PMID: 23975875). In summary, the currently available evidence indicates that the variant is pathogenic, but additional data are needed to prove that conclusively. Therefore, this variant has been classified as Likely Pathogenic. This sequence change creates a premature translational stop signal (p.Gly20087Valfs*4) in the TTN gene. While this is not anticipated to result in nonsense mediated decay, it is expected to create a truncated TTN protein.

Literature cited by the submitters: PubMed 25589632; PubMed 23975875.

NM_001267550.2(TTN):c.60258del (p.Gly20087fs)

Genes: TTN (titin; minus strand), TTN-AS1 (TTN antisense RNA 1; plus strand). Cytogenetic location: 2q31.2.
Variant type: Deletion.
Coding change: c.60258del on transcript NM_001267550.2 (MANE Select); coding-DNA position 60258, one base deleted (A; older notation c.60258delA).
Protein change: p.Gly20087fs; shifts the reading frame from glycine 20087.
Molecular consequence: frameshift variant.
Genome position (GRCh38, 1-based): chr2:178,591,467, T deleted on the plus strand (A on the coding strand, the reverse complement: TTN is on the minus strand); the first of 2 consecutive T bases (chr2:178,591,467-178,591,468); deleting either gives the same sequence. VCF-style (leftmost placement, unchanged base first): chr2-178591466-CT-C. GRCh37 (hg19) VCF-style: chr2-179456193-CT-C.
Other names: c.55335del, p.Gly18446fs (NM_001256850.1); c.33063del, p.Gly11022fs (NM_003319.4); c.52554del, p.Gly17519fs (NM_133378.4); c.33438del, p.Gly11147fs (NM_133432.3); c.33639del, p.Gly11214fs (NM_133437.4); short protein forms G11022fs, G11214fs, G18446fs, G17519fs, G11147fs, G20087fs.
Identifiers: ClinVar variation 1345174 (VCV001345174.6), dbSNP rs2154184977, ClinGen allele CA2573133742.